The following is an entry in ClinVar:

ClinVar aggregate classification (germline): Uncertain significance (1 of 4 stars; one submission).

gnomAD v4.1: 1 of 1,576,956 alleles (0.000063%); highest among the groups gnomAD compares: African/African-American, 0.0013%; no homozygotes.

Submission:

GeneDx
Classification: Uncertain significance. Last evaluated: 2023-05-18. Review status: criteria provided, single submitter. Criteria: GeneDx Variant Classification Process June 2021. Collection method: clinical testing. Allele origin: germline. Affected: yes.
Comment: Not observed at significant frequency in large population cohorts (gnomAD); In silico analysis supports that this missense variant has a deleterious effect on protein structure/function; Has not been previously published as pathogenic or benign to our knowledge; In silico analysis is inconclusive as to whether the variant alters gene splicing. In the absence of RNA/functional studies, the actual effect of this sequence change is unknown.

NM_133259.4(LRPPRC):c.2816T>A (p.Leu939Gln)

Gene: LRPPRC (leucine rich pentatricopeptide repeat containing; minus strand). Cytogenetic location: 2p21.
Variant type: single nucleotide variant.
Coding change: c.2816T>A on transcript NM_133259.4 (MANE Select); coding-DNA position 2816, T replaced by A.
Protein change: p.Leu939Gln; replaces leucine 939 with glutamine.
Molecular consequence: missense variant.
Genome position (GRCh38, 1-based): chr2:43,925,147, A>T on the plus strand (T>A on the coding strand, the complement: LRPPRC is on the minus strand). VCF-style: chr2-43925147-A-T. GRCh37 (hg19) VCF-style: chr2-44152286-A-T.
Other names: short protein forms L939Q.
Identifiers: ClinVar variation 3343573 (VCV003343573.1).